The following is an entry in ClinVar:

NM_003482.4(KMT2D):c.13813G>T (p.Asp4605Tyr)

Gene: KMT2D (lysine methyltransferase 2D; minus strand). Cytogenetic location: 12q13.12.
Variant type: single nucleotide variant.
Coding change: c.13813G>T on transcript NM_003482.4 (MANE Select); coding-DNA position 13813, G replaced by T.
Protein change: p.Asp4605Tyr; replaces aspartic acid 4605 with tyrosine.
Molecular consequence: missense variant.
Genome position (GRCh38, 1-based): chr12:49,030,627, C>A on the plus strand (G>T on the coding strand, the complement: KMT2D is on the minus strand). VCF-style: chr12-49030627-C-A. GRCh37 (hg19) VCF-style: chr12-49424410-C-A.
Other names: short protein forms D4605Y.
Identifiers: ClinVar variation 4801184 (VCV004801184.1).

ClinVar aggregate classification (germline): Uncertain significance (1 of 4 stars; one submission).

Conditions:
Kabuki syndrome. Also called: NIIKAWA-KUROKI SYNDROME; Kabuki make-up syndrome. Identifiers: Orphanet 2322, MedGen C0796004, MONDO:0016512.

Submission:

Labcorp Genetics (formerly Invitae), Labcorp
Classification: Uncertain significance for Kabuki syndrome. Last evaluated: 2025-10-18. Review status: criteria provided, single submitter. Criteria: Invitae Variant Classification Sherloc (09022015). Collection method: clinical testing. Allele origin: germline.
Comment: This sequence change replaces aspartic acid, which is acidic and polar, with tyrosine, which is neutral and polar, at codon 4605 of the KMT2D protein (p.Asp4605Tyr). This variant is not present in population databases (gnomAD no frequency). This variant has not been reported in the literature in individuals affected with KMT2D-related conditions. Invitae Evidence Modeling of protein sequence and biophysical properties (such as structural, functional, and spatial information, amino acid conservation, physicochemical variation, residue mobility, and thermodynamic stability) indicates that this missense variant is not expected to disrupt KMT2D protein function with a negative predictive value of 95%. In summary, the available evidence is currently insufficient to determine the role of this variant in disease. Therefore, it has been classified as a Variant of Uncertain Significance.